The following is an entry in ClinVar:

ClinVar aggregate classification (germline): Uncertain significance (1 of 4 stars; one submission).

Submission:

GeneDx
Classification: Uncertain significance. Last evaluated: 2024-01-02. Review status: criteria provided, single submitter. Criteria: GeneDx Variant Classification Process June 2021. Collection method: clinical testing. Allele origin: germline. Affected: yes.
Comment: Not observed at significant frequency in large population cohorts (gnomAD); In silico analysis supports that this missense variant does not alter protein structure/function; Has not been previously published as pathogenic or benign to our knowledge

NM_139057.4(ADAMTS17):c.875C>G (p.Ala292Gly)

Gene: ADAMTS17 (ADAM metallopeptidase with thrombospondin type 1 motif 17; minus strand). Cytogenetic location: 15q26.3.
Variant type: single nucleotide variant.
Coding change: c.875C>G on transcript NM_139057.4 (MANE Select); coding-DNA position 875, C replaced by G.
Protein change: p.Ala292Gly; replaces alanine 292 with glycine.
Molecular consequence: missense variant.
Genome position (GRCh38, 1-based): chr15:100,261,635, G>C on the plus strand (C>G on the coding strand, the complement: ADAMTS17 is on the minus strand). VCF-style: chr15-100261635-G-C. GRCh37 (hg19) VCF-style: chr15-100801840-G-C.
Other names: short protein forms A292G.
Identifiers: ClinVar variation 3367445 (VCV003367445.1).